The following is an entry in ClinVar:

ClinVar aggregate classification (germline): Uncertain significance (1 of 4 stars; one submission).

Submission:

GeneDx
Classification: Uncertain significance. Last evaluated: 2023-04-17. Review status: criteria provided, single submitter. Criteria: GeneDx Variant Classification Process June 2021. Collection method: clinical testing. Allele origin: germline. Affected: yes.
Comment: Not observed at significant frequency in large population cohorts (gnomAD); Frameshift variant predicted to result in protein truncation or nonsense mediated decay in a gene or region of a gene for which loss of function is not a well-established mechanism of disease; Has not been previously published as pathogenic or benign to our knowledge

NM_004269.4(MED27):c.209del (p.Leu70fs)

Gene: MED27 (mediator complex subunit 27; minus strand). Cytogenetic location: 9q34.13.
Variant type: Deletion.
Coding change: c.209del on transcript NM_004269.4 (MANE Select); coding-DNA position 209, one base deleted (T; older notation c.209delT).
Protein change: p.Leu70fs; shifts the reading frame from leucine 70.
Molecular consequence: frameshift variant.
Genome position (GRCh38, 1-based): chr9:132,077,581, A deleted on the plus strand (T on the coding strand, the reverse complement: MED27 is on the minus strand). VCF-style (leftmost placement, unchanged base first): chr9-132077580-CA-C. GRCh37 (hg19) VCF-style: chr9-134952967-CA-C.
Other names: c.209del, p.Leu70fs (NM_001253881.2, NM_001253882.2); short protein forms L70fs.
Identifiers: ClinVar variation 2662131 (VCV002662131.1), dbSNP rs2491059635, ClinGen allele CA2695199429.
Genomic context (GRCh38, chr9:132,077,580, plus strand): 5'-CCCACTGTTATGAAGAGGATGGTTCTCAGATGGCTTGCCTACCAGATTGCTCAGACGTTC[CA>C]GCTCACTGAAAAGCAAAGAGACAAGGCAAATAAACCTAAGCCCATTTACACTCCAGGGTA-3'